The following is an entry in ClinVar:

ClinVar aggregate classification (germline): Uncertain significance (1 of 4 stars; one submission).

gnomAD v4.1: 1 of 1,613,834 alleles (0.000062%); highest among the groups gnomAD compares: Non-Finnish European, 0.000085%; no homozygotes.

Submission:

Dasa
Classification: Uncertain significance. Last evaluated: 2025-02-08. Review status: criteria provided, single submitter. Criteria: DASA Assertion Criteria. Collection method: clinical testing. Allele origin: germline.
Comment: NM_001130438.3(SPTAN1):c.5810A>G (p.Asn1937Ser) is a missense variant that results in the substitution of asparagine with serine. This variant is rare in population databases. Computational prediction algorithms are consistent with a benign effect. The currently available literature and clinical evidence are not sufficient to establish a definitive association between this variant and the reported condition. Therefore, this variant is classified as a variant of uncertain significance.

NM_001130438.3(SPTAN1):c.5810A>G (p.Asn1937Ser)

Gene: SPTAN1 (spectrin alpha, non-erythrocytic 1; plus strand). Cytogenetic location: 9q34.11.
Variant type: single nucleotide variant.
Coding change: c.5810A>G on transcript NM_001130438.3 (MANE Select); coding-DNA position 5810, A replaced by G.
Protein change: p.Asn1937Ser; replaces asparagine 1937 with serine.
Molecular consequence: missense variant.
Genome position (GRCh38, 1-based): chr9:128,621,234, A>G. VCF-style: chr9-128621234-A-G. GRCh37 (hg19) VCF-style: chr9-131383513-A-G.
Other names: c.5750A>G, p.Asn1917Ser (NM_001363765.2, NM_001375314.2, NM_001438442.1); c.5810A>G, p.Asn1937Ser (NM_001375310.1, NM_001375311.2, NM_001375313.1 and 1 more transcripts); c.5846A>G, p.Asn1949Ser (NM_001375312.2, NM_001375318.1, NM_001438440.1); c.5735A>G, p.Asn1912Ser (NM_001438441.1, NM_001438444.1, NM_001195532.2); c.5795A>G, p.Asn1932Ser (NM_001438443.1, NM_001438445.1, NM_003127.4); short protein forms N1912S, N1917S, N1932S, N1937S, N1949S.
Identifiers: ClinVar variation 4885110 (VCV004885110.2).